The following is an entry in ClinVar:

ClinVar aggregate classification (germline): Uncertain significance (1 of 4 stars; one submission).

Conditions:
Cardiovascular phenotype. Identifiers: MedGen CN230736.

Submission:

Ambry Genetics
Classification: Uncertain significance for Cardiovascular phenotype. Last evaluated: 2026-06-02. Review status: criteria provided, single submitter. Criteria: Ambry Variant Classification Scheme 2023. Collection method: clinical testing. Allele origin: germline.
Comment: The p.A187D variant (also known as c.560C>A), located in coding exon 1 of the HCN4 gene, results from a C to A substitution at nucleotide position 560. The alanine at codon 187 is replaced by aspartic acid, an amino acid with dissimilar properties. This amino acid position is not well conserved in available vertebrate species. In addition, the in silico prediction for this alteration is inconclusive. Based on the available evidence, the clinical significance of this variant remains unclear.

NM_005477.3(HCN4):c.560C>A (p.Ala187Asp)

Gene: HCN4 (hyperpolarization activated cyclic nucleotide gated potassium channel 4; minus strand). Cytogenetic location: 15q24.1.
Variant type: single nucleotide variant.
Coding change: c.560C>A on transcript NM_005477.3 (MANE Select); coding-DNA position 560, C replaced by A.
Protein change: p.Ala187Asp; replaces alanine 187 with aspartic acid.
Molecular consequence: missense variant.
Genome position (GRCh38, 1-based): chr15:73,367,711, G>T on the plus strand (C>A on the coding strand, the complement: HCN4 is on the minus strand). VCF-style: chr15-73367711-G-T. GRCh37 (hg19) VCF-style: chr15-73660052-G-T.
Other names: short protein forms A187D.
Identifiers: ClinVar variation 4858302 (VCV004858302.1).